The following is an entry in ClinVar:

NM_002451.4(MTAP):c.182A>G (p.His61Arg)

Gene: MTAP (methylthioadenosine phosphorylase; plus strand). Cytogenetic location: 9p21.3.
Variant type: single nucleotide variant.
Coding change: c.182A>G on transcript NM_002451.4 (MANE Select); coding-DNA position 182, A replaced by G.
Protein change: p.His61Arg; replaces histidine 61 with arginine.
Molecular consequence: missense variant. On other transcripts: non-coding transcript variant (1).
Genome position (GRCh38, 1-based): chr9:21,818,037, A>G. VCF-style: chr9-21818037-A-G. GRCh37 (hg19) VCF-style: chr9-21818036-A-G.
Other names: c.233A>G, p.His78Arg (NM_001396040.1); c.182A>G, p.His61Arg (NM_001396041.1, NM_001396042.1, NM_001396043.1 and 2 more transcripts); short protein forms H61R, H78R.
Identifiers: ClinVar variation 4881503 (VCV004881503.2).

ClinVar aggregate classification (germline): Uncertain significance (1 of 4 stars; one submission).

gnomAD v4.1: 4 of 1,609,712 alleles (0.00025%); highest among the groups gnomAD compares: East Asian, 0.0022%; no homozygotes.

Submission:

Dasa
Classification: Uncertain significance. Last evaluated: 2026-03-26. Review status: criteria provided, single submitter. Criteria: DASA Assertion Criteria. Collection method: clinical testing. Allele origin: germline.
Comment: NM_002451.4(MTAP):c.182A>G (p.His61Arg) is a missense variant that results in the substitution of histidine with arginine. This variant is rare in population databases. Computational prediction algorithms are consistent with a deleterious effect. The currently available literature and clinical evidence are not sufficient to establish a definitive association between this variant and the reported condition. Therefore, this variant is classified as a variant of uncertain significance.